The following is an entry in ClinVar:

ClinVar aggregate classification (germline): Uncertain significance (1 of 4 stars; one submission).

Conditions:
Familial thoracic aortic aneurysm and aortic dissection (TAAD). Also called: Thoracic aortic aneurysms and dissections. Identifiers: Orphanet 91387, MedGen C4707243, MONDO:0019625.

Submission:

Ambry Genetics
Classification: Uncertain significance for Familial thoracic aortic aneurysm and aortic dissection. Last evaluated: 2019-09-03. Review status: criteria provided, single submitter. Criteria: Ambry Variant Classification Scheme 2023. Collection method: clinical testing. Allele origin: germline.
Comment: The p.E1553D variant (also known as c.4659G>T), located in coding exon 25 of the MYLK gene, results from a G to T substitution at nucleotide position 4659. The glutamic acid at codon 1553 is replaced by aspartic acid, an amino acid with highly similar properties. This amino acid position is well conserved in available vertebrate species; however, aspartic acid is the reference amino acid in other vertebrate species. In addition, this alteration is predicted to be tolerated by in silico analysis. Since supporting evidence is limited at this time, the clinical significance of this alteration remains unclear.

NM_053025.4(MYLK):c.4659G>T (p.Glu1553Asp)

Gene: MYLK (myosin light chain kinase; minus strand). Cytogenetic location: 3q21.1.
Variant type: single nucleotide variant.
Coding change: c.4659G>T on transcript NM_053025.4 (MANE Select); coding-DNA position 4659, G replaced by T.
Protein change: p.Glu1553Asp; replaces glutamic acid 1553 with aspartic acid.
Molecular consequence: missense variant.
Genome position (GRCh38, 1-based): chr3:123,640,465, C>A on the plus strand (G>T on the coding strand, the complement: MYLK is on the minus strand). VCF-style: chr3-123640465-C-A. GRCh37 (hg19) VCF-style: chr3-123359312-C-A.
Other names: c.4131G>T, p.Glu1377Asp (NM_001321309.2); c.4452G>T, p.Glu1484Asp (NM_053026.4, NM_053028.4); c.4659G>T, p.Glu1553Asp (NM_053027.4); short protein forms E1377D, E1553D, E1484D.
Identifiers: ClinVar variation 1742222 (VCV001742222.2), dbSNP rs2058793280, ClinGen allele CA354226249.
Genomic context (GRCh38, chr3:123,640,465, plus strand): 5'-CACTCCCTCCGAGATCTGCCGCATGTACTTGATGCACTCACGCTCCGTCAGCTCAAAGTC[C>A]TCGTCAATGATGCGCTCAAACAGCTCCCCTCCTGACACGCTGCGGGAACACGTGCACGGG-3'
Protein context (NP_444253.3, residues 1543-1563): GGELFERIID[Glu1553Asp]DFELTERECI